The following is an entry in ClinVar:

NM_152743.4(BRAT1):c.16G>T (p.Ala6Ser)

Gene: BRAT1 (BRCA1 associated ATM activator 1; minus strand). Cytogenetic location: 7p22.3.
Variant type: single nucleotide variant.
Coding change: c.16G>T on transcript NM_152743.4 (MANE Select); coding-DNA position 16, G replaced by T.
Protein change: p.Ala6Ser; replaces alanine 6 with serine.
Molecular consequence: missense variant. On other transcripts: 5 prime UTR variant (1), non-coding transcript variant (1).
Genome position (GRCh38, 1-based): chr7:2,554,416, C>A on the plus strand (G>T on the coding strand, the complement: BRAT1 is on the minus strand). VCF-style: chr7-2554416-C-A. GRCh37 (hg19) VCF-style: chr7-2594050-C-A.
Other names: c.16G>T, p.Ala6Ser (NM_001350626.2); c.-362G>T (NM_001350627.2); short protein forms A6S.
Identifiers: ClinVar variation 1429852 (VCV001429852.8), dbSNP rs1415690501, ClinGen allele CA366633623.

ClinVar aggregate classification (germline): Uncertain significance (1 of 4 stars; one submission).

Conditions:
Neonatal-onset encephalopathy with rigidity and seizures. Also called: Lethal neonatal spasticity-epileptic encephalopathy syndrome. Identifiers: Orphanet 435845, MedGen C3281029, MONDO:0013784, OMIM 614498.

Allele frequency attached by ClinVar (database versions not stated): gnomAD exomes below 0.00001; gnomAD 0.00001.

Submission:

Labcorp Genetics (formerly Invitae), Labcorp
Classification: Uncertain significance for Neonatal-onset encephalopathy with rigidity and seizures. Last evaluated: 2024-02-24. Review status: criteria provided, single submitter. Criteria: Invitae Variant Classification Sherloc (09022015). Collection method: clinical testing. Allele origin: germline.
Comment: This sequence change replaces alanine, which is neutral and non-polar, with serine, which is neutral and polar, at codon 6 of the BRAT1 protein (p.Ala6Ser). This variant is present in population databases (no rsID available, gnomAD 0.006%). This variant has not been reported in the literature in individuals affected with BRAT1-related conditions. ClinVar contains an entry for this variant (Variation ID: 1429852). Algorithms developed to predict the effect of missense changes on protein structure and function output the following: SIFT: "Not Available"; PolyPhen-2: "Benign"; Align-GVGD: "Not Available". The serine amino acid residue is found in multiple mammalian species, which suggests that this missense change does not adversely affect protein function. In summary, the available evidence is currently insufficient to determine the role of this variant in disease. Therefore, it has been classified as a Variant of Uncertain Significance.